The following is an entry in ClinVar:

ClinVar aggregate classification (germline): Uncertain significance. Review status: criteria provided, multiple submitters, no conflicts (2 of 4 stars). 2 submissions from 2 submitters: Uncertain significance (2). Last evaluated 2024-01-19.

Conditions:
Hereditary cancer-predisposing syndrome. Also called: Hereditary Cancer Syndrome; Tumor predisposition; Neoplastic Syndromes, Hereditary; Hereditary neoplastic syndrome. Identifiers: Orphanet 140162, MedGen C0027672, MeSH D009386, MONDO:0015356.

Submissions (2):

Ambry Genetics
Classification: Uncertain significance for Hereditary cancer-predisposing syndrome. Last evaluated: 2024-01-19. Review status: criteria provided, single submitter. Criteria: Ambry Variant Classification Scheme 2023. Collection method: clinical testing. Allele origin: germline.
Comment: The p.C1727Y variant (also known as c.5180G>A), located in coding exon 15 of the APC gene, results from a G to A substitution at nucleotide position 5180. The cysteine at codon 1727 is replaced by tyrosine, an amino acid with highly dissimilar properties. This amino acid position is highly conserved in available vertebrate species. In addition, in silico predictors for this gene do not accurately predict pathogenicity. Based on the available evidence, the clinical significance of this alteration remains unclear.

Quest Diagnostics Nichols Institute San Juan Capistrano
Classification: Uncertain significance. Last evaluated: 2021-04-25. Review status: criteria provided, single submitter. Criteria: Quest Diagnostics criteria. Collection method: clinical testing. Allele origin: unknown.

NM_000038.6(APC):c.5180G>A (p.Cys1727Tyr)

Gene: APC (APC regulator of Wnt signaling pathway; plus strand). Cytogenetic location: 5q22.2.
Variant type: single nucleotide variant.
Coding change: c.5180G>A on transcript NM_000038.6 (MANE Select); coding-DNA position 5180, G replaced by A.
Protein change: p.Cys1727Tyr; replaces cysteine 1727 with tyrosine.
Molecular consequence: missense variant.
Genome position (GRCh38, 1-based): chr5:112,840,774, G>A. VCF-style: chr5-112840774-G-A. GRCh37 (hg19) VCF-style: chr5-112176471-G-A.
Other names: c.5180G>A, p.Cys1727Tyr (NM_001127510.3, NM_001354895.2); c.5126G>A, p.Cys1709Tyr (NM_001127511.3); c.5234G>A, p.Cys1745Tyr (NM_001354896.2); c.5210G>A, p.Cys1737Tyr (NM_001354897.2); c.5105G>A, p.Cys1702Tyr (NM_001354898.2); c.5096G>A, p.Cys1699Tyr (NM_001354899.2); c.5057G>A, p.Cys1686Tyr (NM_001354900.2); c.5003G>A, p.Cys1668Tyr (NM_001354901.2); and 5 more; short protein forms C1444Y, C1567Y, C1601Y, C1626Y, C1636Y, C1668Y, C1686Y, C1699Y.
Identifiers: ClinVar variation 1330116 (VCV001330116.2), dbSNP rs1580657160, ClinGen allele CA16032652.